The following is an entry in ClinVar:

NM_152703.5(SAMD9L):c.100G>T (p.Gly34Trp)

Gene: SAMD9L (sterile alpha motif domain containing 9 like; minus strand). Cytogenetic location: 7q21.2.
Variant type: single nucleotide variant.
Coding change: c.100G>T on transcript NM_152703.5 (MANE Select); coding-DNA position 100, G replaced by T.
Protein change: p.Gly34Trp; replaces glycine 34 with tryptophan.
Molecular consequence: missense variant.
Genome position (GRCh38, 1-based): chr7:93,135,872, C>A on the plus strand (G>T on the coding strand, the complement: SAMD9L is on the minus strand). VCF-style: chr7-93135872-C-A. GRCh37 (hg19) VCF-style: chr7-92765185-C-A.
Other names: c.100G>T, p.Gly34Trp (NM_001303496.3, NM_001303497.3, NM_001303498.3 and 5 more transcripts); short protein forms G34W.
Identifiers: ClinVar variation 4630171 (VCV004630171.1).
Genomic context (GRCh38, chr7:93,135,872, plus strand): 5'-CCTTCTCAGTTAATTCCTGCAGGACTAATCCTGTTACTTCTTCACTGAGCAGAATTTGCC[C>A]GTATTGCTCATTAATCTTAAGGTCTTCATTTACCCATTTTTTCACATGCTCTTTGGTCCA-3'
Protein context (NP_689916.2, residues 24-44): NEDLKINEQY[Gly34Trp]QILLSEEVTG

ClinVar aggregate classification (germline): Uncertain significance (1 of 4 stars; one submission).

Conditions:
Inborn genetic diseases. Identifiers: MedGen C0950123, MeSH D030342.

Submission:

Ambry Genetics
Classification: Uncertain significance for Inborn genetic diseases. Last evaluated: 2025-12-13. Review status: criteria provided, single submitter. Criteria: Ambry Variant Classification Scheme 2023. Collection method: clinical testing. Allele origin: germline.
Comment: The p.G34W variant (also known as c.100G>T), located in coding exon 1 of the SAMD9L gene, results from a G to T substitution at nucleotide position 100. The glycine at codon 34 is replaced by tryptophan, an amino acid with highly dissimilar properties. This amino acid position is conserved. In addition, the in silico prediction for this alteration is inconclusive. Based on the available evidence, the clinical significance of this variant remains unclear.